The following is an entry in ClinVar:

NC_000008.10:g.(?_19805671)_(19805871_?)del

Gene: LPL (lipoprotein lipase; plus strand). Cytogenetic location: 8p21.3.
Variant type: Deletion.
Identifiers: ClinVar variation 3245549 (VCV003245549.1).

ClinVar aggregate classification (germline): Pathogenic (1 of 4 stars; one submission).

Submission:

Labcorp Genetics (formerly Invitae), Labcorp
Classification: Pathogenic. Last evaluated: 2023-05-19. Review status: criteria provided, single submitter. Criteria: Invitae Variant Classification Sherloc (09022015). Collection method: clinical testing. Allele origin: unknown.
Comment: For these reasons, this variant has been classified as Pathogenic. This variant has not been reported in the literature in individuals affected with LPL-related conditions. This variant is a gross deletion of the genomic region encompassing exon(s) 2 of the LPL gene. This deletion is out-of-frame, and is expected to create a premature termination codon and result in an absent or disrupted protein product. Loss-of-function variants in LPL are known to be pathogenic (PMID: 11334614).

Literature cited by the submitters: PubMed 11334614.